The following is an entry in ClinVar:

ClinVar aggregate classification (germline): Uncertain significance (1 of 4 stars; one submission).

Submission:

GeneDx
Classification: Uncertain significance. Last evaluated: 2019-08-27. Review status: criteria provided, single submitter. Criteria: GeneDx Variant Classification Process June 2021. Collection method: clinical testing. Allele origin: germline. Affected: yes.
Comment: Not observed in large population cohorts (Lek et al., 2016); In silico analysis, which includes protein predictors and evolutionary conservation, supports a deleterious effect; Has not been previously published as pathogenic or benign to our knowledge

NM_002764.4(PRPS1):c.301G>A (p.Asp101Asn)

Gene: PRPS1 (phosphoribosyl pyrophosphate synthetase 1; plus strand). Cytogenetic location: Xq22.3.
Variant type: single nucleotide variant.
Coding change: c.301G>A on transcript NM_002764.4 (MANE Select); coding-DNA position 301, G replaced by A.
Protein change: p.Asp101Asn; replaces aspartic acid 101 with asparagine.
Molecular consequence: missense variant. On other transcripts: intron variant (1).
Genome position (GRCh38, 1-based): chrX:107,639,473, G>A. VCF-style: chrX-107639473-G-A. GRCh37 (hg19) VCF-style: chrX-106882703-G-A.
Other names: c.-82-5704G>A (NM_001204402.2); short protein forms D101N.
Identifiers: ClinVar variation 450558 (VCV000450558.4), dbSNP rs1556299580, ClinGen allele CA413805796.
Genomic context (GRCh38, chrX:107,639,473, plus strand): 5'-TCAGCCAGCCGGGTTACTGCAGTCATCCCATGCTTCCCTTATGCCCGGCAGGATAAGAAA[G>A]ATAAGGTAGGAGCAGAATTTTATTTTTTGAGCAGAGGAAGCAGGAGCACTTGCCCCAAAT-3'
Protein context (NP_002755.1, residues 91-111): CFPYARQDKK[Asp101Asn]KSRAPISAKL